The following is an entry in ClinVar:

NM_024426.6(WT1):c.262G>C (p.Val88Leu)

Genes: WT1 (WT1 transcription factor; minus strand), LOC107982234 (WT1/WT1-AS bi-directional promoter region; plus strand). Cytogenetic location: 11p13.
Variant type: single nucleotide variant.
Coding change: c.262G>C on transcript NM_024426.6 (MANE Select); coding-DNA position 262, G replaced by C.
Protein change: p.Val88Leu; replaces valine 88 with leucine.
Molecular consequence: missense variant. On other transcripts: non-coding transcript variant (2).
Genome position (GRCh38, 1-based): chr11:32,435,099, C>G on the plus strand (G>C on the coding strand, the complement: WT1 is on the minus strand). VCF-style: chr11-32435099-C-G. GRCh37 (hg19) VCF-style: chr11-32456645-C-G.
Other names: c.262G>C, p.Val88Leu (NM_000378.6, NM_001407044.1, NM_001407045.1 and 6 more transcripts); c.43G>C, p.Val15Leu (NM_001429031.1, NM_001429032.1, NM_001429033.1 and 1 more transcripts); short protein forms V88L, V15L, V83L.
Identifiers: ClinVar variation 4634881 (VCV004634881.1).
Genomic context (GRCh38, chr11:32,435,099, plus strand): 5'-CCCACTGCGCCGCGCCGCTCACAGGCAGGGCACAGCCGCCGCCGCCACCCAGGGAGGGGA[C>G]GGCGGGCAGCAGCGCGTTCAGGTCCCGCACGTCGGAGCCCATTTGCTGCGGCTCAGACCC-3'
Protein context (NP_077744.4, residues 78-98): VRDLNALLPA[Val88Leu]PSLGGGGGCA

ClinVar aggregate classification (germline): Uncertain significance (1 of 4 stars; one submission).

Conditions:
Inborn genetic diseases. Identifiers: MedGen C0950123, MeSH D030342.

gnomAD v4.1: 4 of 1,505,530 alleles (0.00027%); highest among the groups gnomAD compares: Non-Finnish European, 0.00035%; no homozygotes.

Submission:

Ambry Genetics
Classification: Uncertain significance for Inborn genetic diseases. Last evaluated: 2025-12-07. Review status: criteria provided, single submitter. Criteria: Ambry Variant Classification Scheme 2023. Collection method: clinical testing. Allele origin: germline.
Comment: The p.V83L variant (also known as c.247G>C), located in coding exon 1 of the WT1 gene, results from a G to C substitution at nucleotide position 247. The valine at codon 83 is replaced by leucine, an amino acid with highly similar properties. This amino acid position is conserved. In addition, this alteration is predicted to be tolerated by in silico analysis. Based on the available evidence, the clinical significance of this variant remains unclear.